The following is an entry in ClinVar:

NM_001142864.4(PIEZO1):c.3848C>G (p.Ala1283Gly)

Gene: PIEZO1 (piezo type mechanosensitive ion channel component 1 (Er blood group); minus strand). Cytogenetic location: 16q24.3.
Variant type: single nucleotide variant.
Coding change: c.3848C>G on transcript NM_001142864.4 (MANE Select); coding-DNA position 3848, C replaced by G.
Protein change: p.Ala1283Gly; replaces alanine 1283 with glycine.
Molecular consequence: missense variant.
Genome position (GRCh38, 1-based): chr16:88,726,404, G>C on the plus strand (C>G on the coding strand, the complement: PIEZO1 is on the minus strand). VCF-style: chr16-88726404-G-C. GRCh37 (hg19) VCF-style: chr16-88792812-G-C.
Other names: c.2390C>G, p.Ala797Gly (NM_014745.1); short protein forms A1283G, A797G.
Identifiers: ClinVar variation 3061332 (VCV003061332.3), dbSNP rs1200063833, ClinGen allele CA397102372.

ClinVar aggregate classification (germline): Uncertain significance. Review status: criteria provided, single submitter (1 of 4 stars). 2 submissions from 2 submitters: Uncertain significance (1). 1 of the submissions does not count toward it. Last evaluated 2025-06-09.

Conditions:
PIEZO1-related disorder. Also called: PIEZO1-related condition; PIEZO1-Related Disorders.

Allele frequency attached by ClinVar (database versions not stated): gnomAD exomes below 0.00001; TOPMed 0.00001; gnomAD 0.00001.
gnomAD v4.1: 2 of 1,550,386 alleles (0.00013%); highest among the groups gnomAD compares: Non-Finnish European, 0.00017%; no homozygotes.

Submissions (2):

Revvity Omics, Revvity
Classification: Uncertain significance. Last evaluated: 2025-06-09. Review status: criteria provided, single submitter. Criteria: ACMG Guidelines, 2015. Collection method: clinical testing. Allele origin: germline.

PreventionGenetics, part of Exact Sciences
Classification: Uncertain significance for PIEZO1-related condition. Last evaluated: 2024-01-29. Review status: no assertion criteria provided. Collection method: clinical testing. Allele origin: germline. Not counted in ClinVar's aggregate classification.
Comment: The PIEZO1 c.3848C>G variant is predicted to result in the amino acid substitution p.Ala1283Gly. To our knowledge, this variant has not been reported in the literature. This variant is reported in 0.0017% of alleles in individuals of European (Non-Finnish) descent in gnomAD. At this time, the clinical significance of this variant is uncertain due to the absence of conclusive functional and genetic evidence.